The following is an entry in ClinVar:

ClinVar aggregate classification (germline): Uncertain significance (1 of 4 stars; one submission).

Conditions:
Hereditary sensory and autonomic neuropathy type 1 (HSAN1). Also called: HSAN 1; HSN Type I; Hereditary Sensory Neuropathy Type I. Identifiers: Orphanet 36386, MedGen C0020071, MONDO:0018213.

Submission:

Labcorp Genetics (formerly Invitae), Labcorp
Classification: Uncertain significance for Hereditary sensory and autonomic neuropathy type 1. Last evaluated: 2023-05-05. Review status: criteria provided, single submitter. Criteria: Invitae Variant Classification Sherloc (09022015). Collection method: clinical testing. Allele origin: germline.
Comment: In summary, the available evidence is currently insufficient to determine the role of this variant in disease. Therefore, it has been classified as a Variant of Uncertain Significance. Algorithms developed to predict the effect of sequence changes on RNA splicing suggest that this variant may disrupt the consensus splice site. Advanced modeling of protein sequence and biophysical properties (such as structural, functional, and spatial information, amino acid conservation, physicochemical variation, residue mobility, and thermodynamic stability) performed at Invitae indicates that this missense variant is not expected to disrupt SPTLC1 protein function. This variant has not been reported in the literature in individuals affected with SPTLC1-related conditions. This variant is not present in population databases (gnomAD no frequency). This sequence change replaces aspartic acid, which is acidic and polar, with glycine, which is neutral and non-polar, at codon 113 of the SPTLC1 protein (p.Asp113Gly).

NM_006415.4(SPTLC1):c.338A>G (p.Asp113Gly)

Gene: SPTLC1 (serine palmitoyltransferase long chain base subunit 1; minus strand). Cytogenetic location: 9q22.31.
Variant type: single nucleotide variant.
Coding change: c.338A>G on transcript NM_006415.4 (MANE Select); coding-DNA position 338, A replaced by G.
Protein change: p.Asp113Gly; replaces aspartic acid 113 with glycine.
Molecular consequence: missense variant. On other transcripts: 5 prime UTR variant (2).
Genome position (GRCh38, 1-based): chr9:92,080,886, T>C on the plus strand (A>G on the coding strand, the complement: SPTLC1 is on the minus strand). VCF-style: chr9-92080886-T-C. GRCh37 (hg19) VCF-style: chr9-94843168-T-C.
Other names: c.338A>G, p.Asp113Gly (NM_001281303.2, NM_178324.3); c.-162A>G (NM_001368272.1); c.-128A>G (NM_001368273.1); short protein forms D113G.
Identifiers: ClinVar variation 2996379 (VCV002996379.3), dbSNP rs2538473587, ClinGen allele CA373788656.
Genomic context (GRCh38, chr9:92,080,886, plus strand): 5'-ATCAGTAATGTTATCTGTCCACTTCAGCAATATGTGCTACTCACCTTAACCCTAGGGTTA[T>C]CCAACAATCCAAGAAAATTAAATGAGGCGAAGTTTATACATTCTTTTCCATTCACCACAG-3'
Protein context (NP_006406.1, residues 103-123): FASFNFLGLL[Asp113Gly]NPRVKAAALA